The following is an entry in ClinVar:

NM_000135.4(FANCA):c.3468G>A (p.Leu1156=)

Gene: FANCA (FA complementation group A; minus strand). Cytogenetic location: 16q24.3.
Variant type: single nucleotide variant.
Coding change: c.3468G>A on transcript NM_000135.4 (MANE Select); coding-DNA position 3468, G replaced by A.
Protein change: p.Leu1156=; no amino-acid change (leucine 1156 retained).
Molecular consequence: synonymous variant.
Genome position (GRCh38, 1-based): chr16:89,746,629, C>T on the plus strand (G>A on the coding strand, the complement: FANCA is on the minus strand). VCF-style: chr16-89746629-C-T. GRCh37 (hg19) VCF-style: chr16-89813037-C-T.
Other names: c.3468G>A (LRG_495t1); c.3468G>A, p.Leu1156= (NM_001286167.3).
Identifiers: ClinVar variation 380321 (VCV000380321.1), dbSNP rs1057520822, ClinGen allele CA16607557.

ClinVar aggregate classification (germline): Likely benign (1 of 4 stars; one submission).

Submission:

GeneDx
Classification: Likely benign. Last evaluated: 2015-08-25. Review status: criteria provided, single submitter. Criteria: GeneDx Variant Classification (06012015). Collection method: clinical testing. Allele origin: germline. Affected: yes.
Comment: This variant is considered likely benign or benign based on one or more of the following criteria: it is a conservative change, it occurs at a poorly conserved position in the protein, it is predicted to be benign by multiple in silico algorithms, and/or has population frequency not consistent with disease.